The following is an entry in ClinVar:

ClinVar aggregate classification (germline): Uncertain significance (1 of 4 stars; one submission).

Allele frequency attached by ClinVar (database versions not stated): gnomAD exomes below 0.00001.

Submission:

Ambry Genetics
Classification: Uncertain significance. Last evaluated: 2024-02-25. Review status: criteria provided, single submitter. Criteria: Ambry Variant Classification Scheme 2023. Collection method: clinical testing. Allele origin: germline.
Comment: The p.N393S variant (also known as c.1178A>G), located in coding exon 8 of the IDH1 gene, results from an A to G substitution at nucleotide position 1178. The asparagine at codon 393 is replaced by serine, an amino acid with highly similar properties. This amino acid position is conserved. In addition, this alteration is predicted to be tolerated by in silico analysis. Based on the available evidence, the clinical significance of this alteration remains unclear.

NM_005896.4(IDH1):c.1178A>G (p.Asn393Ser)

Gene: IDH1 (isocitrate dehydrogenase (NADP(+)) 1; minus strand). Cytogenetic location: 2q34.
Variant type: single nucleotide variant.
Coding change: c.1178A>G on transcript NM_005896.4 (MANE Select); coding-DNA position 1178, A replaced by G.
Protein change: p.Asn393Ser; replaces asparagine 393 with serine.
Molecular consequence: missense variant.
Genome position (GRCh38, 1-based): chr2:208,237,146, T>C on the plus strand (A>G on the coding strand, the complement: IDH1 is on the minus strand). VCF-style: chr2-208237146-T-C. GRCh37 (hg19) VCF-style: chr2-209101870-T-C.
Other names: c.1178A>G, p.Asn393Ser (NM_001282386.1, NM_001282387.1); short protein forms N393S.
Identifiers: ClinVar variation 3225126 (VCV003225126.1), dbSNP rs2469010496, ClinGen allele CA350093628.
Genomic context (GRCh38, chr2:208,237,146, plus strand): 5'-TTGGCCTGAGCTAGTTTGATCTTCAAGTTTTCTCCAAGTTTATCCATGAACTCAAATGTA[T>C]TCAAGTAGTCAGAACGTTGCACACTAACGGGAAGGAAAAAAAAAAGAAAATTTAGTTGGT-3'
Protein context (NP_005887.2, residues 383-403): LPNVQRSDYL[Asn393Ser]TFEFMDKLGE